The following is an entry in ClinVar:

NM_001162501.2(TNRC6B):c.2251dup (p.Glu751fs)

Gene: TNRC6B (trinucleotide repeat containing adaptor 6B; plus strand). Cytogenetic location: 22q13.1.
Variant type: Duplication.
Coding change: c.2251dup on transcript NM_001162501.2 (MANE Select); coding-DNA position 2251, one base duplicated (G; older notation c.2251dupG).
Protein change: p.Glu751fs; shifts the reading frame from glutamic acid 751.
Molecular consequence: frameshift variant. On other transcripts: intron variant (1).
Genome position (GRCh38, 1-based): chr22:40,266,481, G duplicated; the last of 6 consecutive G bases (chr22:40,266,476-40,266,481); duplicating any one gives the same sequence. VCF-style (leftmost placement, unchanged base first): chr22-40266475-T-TG. GRCh37 (hg19) VCF-style: chr22-40662479-T-TG.
Other names: c.2251dup, p.Glu751fs (NM_015088.3); c.566-3641dup (NM_001024843.2); short protein forms E751fs.
Identifiers: ClinVar variation 3375480 (VCV003375480.2).

ClinVar aggregate classification (germline): Likely pathogenic (1 of 4 stars; one submission).

Conditions:
Global developmental delay with speech and behavioral abnormalities. Identifiers: MedGen C5543226, MONDO:0030995, OMIM 619243.

Submission:

Equipe Genetique des Anomalies du Developpement, Université de Bourgogne
Classification: Likely pathogenic for Global developmental delay with speech and behavioral abnormalities. Last evaluated: 2024-09-10. Review status: criteria provided, single submitter. Criteria: ACMG Guidelines, 2015. Collection method: clinical testing. Allele origin: de novo. Affected: yes.
Comment: This variant is predicted to result in a frameshift and premature stop codon at position 768 and likely results in an absent or disrupted protein product. TNRC6B variants are linked to Global Developmental Delay with Speech and Behavior Abnormalities (OMIM #619243, PMID 37348364,38404251). This variant is not present in population database gnomAD (v4.1.0). It has not been reported in ClinVar. It has not been reported in literature. Based on the evidence outlined above, the variant was classified as likely pathogenic.

Literature cited by the submitters: PubMed 37348364; PubMed 38404251.